The following is an entry in ClinVar:

ClinVar aggregate classification (germline): Uncertain significance (1 of 4 stars; one submission).

Conditions:
Cardiovascular phenotype. Identifiers: MedGen CN230736.

Allele frequency attached by ClinVar (database versions not stated): gnomAD exomes below 0.00001; ExAC 0.00002; gnomAD 0.00003; TOPMed 0.00003; 1000 Genomes Project 30x 0.00016; 1000 Genomes Project 0.00020.
gnomAD v4.1: 10 of 1,613,906 alleles (0.00062%); highest among the groups gnomAD compares: South Asian, 0.0033%; no homozygotes.

Submission:

Ambry Genetics
Classification: Uncertain significance for Cardiovascular phenotype. Last evaluated: 2019-04-26. Review status: criteria provided, single submitter. Criteria: Ambry Variant Classification Scheme 2023. Collection method: clinical testing. Allele origin: germline.
Comment: The p.R1620Q variant (also known as c.4859G>A), located in coding exon 18 of the AKAP9 gene, results from a G to A substitution at nucleotide position 4859. The arginine at codon 1620 is replaced by glutamine, an amino acid with highly similar properties. This amino acid position is well conserved in available vertebrate species. In addition, this alteration is predicted to be tolerated by in silico analysis. Since supporting evidence is limited at this time, the clinical significance of this alteration remains unclear.

NM_005751.5(AKAP9):c.4859G>A (p.Arg1620Gln)

Gene: AKAP9 (A-kinase anchoring protein 9; plus strand). Cytogenetic location: 7q21.2.
Variant type: single nucleotide variant.
Coding change: c.4859G>A on transcript NM_005751.5 (MANE Select); coding-DNA position 4859, G replaced by A.
Protein change: p.Arg1620Gln; replaces arginine 1620 with glutamine.
Molecular consequence: missense variant.
Genome position (GRCh38, 1-based): chr7:92,040,840, G>A. VCF-style: chr7-92040840-G-A. GRCh37 (hg19) VCF-style: chr7-91670154-G-A.
Other names: c.4859G>A, p.Arg1620Gln (NM_147185.3); short protein forms R1620Q.
Identifiers: ClinVar variation 1743611 (VCV001743611.2), dbSNP rs536841769, ClinGen allele CA4336667.